The following is an entry in ClinVar:

NM_022356.4(P3H1):c.1224G>A (p.Lys408=)

Gene: P3H1 (prolyl 3-hydroxylase 1; minus strand). Cytogenetic location: 1p34.2.
Variant type: single nucleotide variant.
Coding change: c.1224G>A on transcript NM_022356.4 (MANE Select); coding-DNA position 1224, G replaced by A.
Protein change: p.Lys408=; no amino-acid change (lysine 408 retained).
Molecular consequence: synonymous variant.
Genome position (GRCh38, 1-based): chr1:42,754,990, C>T on the plus strand (G>A on the coding strand, the complement: P3H1 is on the minus strand). VCF-style: chr1-42754990-C-T. GRCh37 (hg19) VCF-style: chr1-43220661-C-T.
Other names: c.1224G>A, p.Lys408= (NM_001146289.2, NM_001243246.2).
Identifiers: ClinVar variation 662228 (VCV000662228.12), dbSNP rs778202277, ClinGen allele CA801905.
Genomic context (GRCh38, chr1:42,754,990, plus strand): 5'-GATTTCCTTCATAAGGTTCCCAATCTCCTGGGAGATGCGTACGGCTGTTTCCCGTTCTGA[C>T]CTATGAGCACAGCCGCTCTGAGGACTGCATTCCAGGGCCAGCCCTGGGCTCCACCCCGAC-3'
Protein context (NP_071751.3, residues 398-418): VIPKRLQEKQ[Lys408=]SERETAVRIS

ClinVar aggregate classification (germline): Uncertain significance. Review status: criteria provided, multiple submitters, no conflicts (2 of 4 stars). 4 submissions from 4 submitters: Uncertain significance (4). Last evaluated 2026-01-11.

Conditions:
Osteogenesis imperfecta type 8 (OI8). Identifiers: MedGen C1970458, MONDO:0012581, OMIM 610915.

Allele frequency attached by ClinVar (database versions not stated): TOPMed 0.00004; ExAC 0.00005; gnomAD exomes 0.00005 and 0.00011; gnomAD 0.00006.
gnomAD v4.1: 167 of 1,614,064 alleles (0.01%); highest among the groups gnomAD compares: Non-Finnish European, 0.014%; no homozygotes.

Submissions (4):

Labcorp Genetics (formerly Invitae), Labcorp
Classification: Uncertain significance for Osteogenesis imperfecta type 8. Last evaluated: 2026-01-11. Review status: criteria provided, single submitter. Criteria: Invitae Variant Classification Sherloc (09022015). Collection method: clinical testing. Allele origin: germline.
Comment: This sequence change affects codon 408 of the P3H1 mRNA. It is a 'silent' change, meaning that it does not change the encoded amino acid sequence of the P3H1 protein. It affects a nucleotide within the consensus splice site. This variant is present in population databases (rs778202277, gnomAD 0.009%). This variant has not been reported in the literature in individuals affected with P3H1-related conditions. ClinVar contains an entry for this variant (Variation ID: 662228). Algorithms developed to predict the effect of sequence changes on RNA splicing suggest that this variant may disrupt the consensus splice site. In summary, the available evidence is currently insufficient to determine the role of this variant in disease. Therefore, it has been classified as a Variant of Uncertain Significance.

Genome-Nilou Lab
Classification: Uncertain significance for Osteogenesis imperfecta type 8. Last evaluated: 2023-04-11. Review status: criteria provided, single submitter. Criteria: ACMG Guidelines, 2015. Collection method: clinical testing. Allele origin: germline. Affected: no.

Fulgent Genetics
Classification: Uncertain significance for Osteogenesis imperfecta type 8. Last evaluated: 2022-02-11. Review status: criteria provided, single submitter. Criteria: ACMG Guidelines, 2015. Collection method: clinical testing. Allele origin: unknown.

Illumina Laboratory Services, Illumina
Classification: Uncertain significance for Osteogenesis imperfecta type 8. Last evaluated: 2018-01-13. Review status: criteria provided, single submitter. Criteria: ICSL Variant Classification Criteria 13 December 2019. Collection method: clinical testing. Allele origin: germline.